The following is an entry in ClinVar:

NM_001966.4(EHHADH):c.861A>G (p.Ala287=)

Gene: EHHADH (enoyl-CoA hydratase and 3-hydroxyacyl CoA dehydrogenase; minus strand). Cytogenetic location: 3q27.2.
Variant type: single nucleotide variant.
Coding change: c.861A>G on transcript NM_001966.4 (MANE Select); coding-DNA position 861, A replaced by G.
Protein change: p.Ala287=; no amino-acid change (alanine 287 retained).
Molecular consequence: synonymous variant.
Genome position (GRCh38, 1-based): chr3:185,204,465, T>C on the plus strand (A>G on the coding strand, the complement: EHHADH is on the minus strand). VCF-style: chr3-185204465-T-C. GRCh37 (hg19) VCF-style: chr3-184922253-T-C.
Other names: p.Ala287=; c.573A>G, p.Ala191= (NM_001166415.2).
Identifiers: ClinVar variation 791963 (VCV000791963.6), dbSNP rs140339876, ClinGen allele CA2739109.

ClinVar aggregate classification (germline): Benign. Review status: criteria provided, multiple submitters, no conflicts (2 of 4 stars). 3 submissions from 3 submitters: Benign (3). Last evaluated 2023-03-27.

Allele frequency attached by ClinVar (database versions not stated): 1000 Genomes Project 0.00499; ESP Exome Variant Server 0.00500; gnomAD 0.00476 and 0.00445; gnomAD exomes 0.00043 and 0.00114; ExAC 0.00138; 1000 Genomes Project 30x 0.00500; TOPMed 0.00518.
gnomAD v4.1: 1,331 of 1,613,624 alleles (0.082%); highest among the groups gnomAD compares: African/African-American, 1.6%; 11 homozygotes.

Submissions (3):

Mayo Clinic Laboratories, Mayo Clinic
Classification: Benign. Last evaluated: 2023-03-27. Review status: criteria provided, single submitter. Criteria: ACMG Guidelines, 2015. Collection method: clinical testing. Allele origin: germline. Observed: 4 variant alleles.
Comment: BS1, BS2, BP4, BP7

Labcorp Genetics (formerly Invitae), Labcorp
Classification: Benign. Last evaluated: 2019-12-31. Review status: criteria provided, single submitter. Criteria: Invitae Variant Classification Sherloc (09022015). Collection method: clinical testing. Allele origin: germline.

Breakthrough Genomics
Classification: Benign. Review status: criteria provided, single submitter. Criteria: ACMG Guidelines, 2015. Collection method: not provided. Allele origin: germline. Inheritance: Autosomal dominant inheritance. Affected: yes.